The following is an entry in ClinVar:

ClinVar aggregate classification (germline): Likely pathogenic. Review status: criteria provided, multiple submitters, no conflicts (2 of 4 stars). 2 submissions from 2 submitters: Likely pathogenic (2). Last evaluated 2026-01-27.

Conditions:
Hematuria. Identifiers: MedGen C0018965, HP:0000790.
Autosomal recessive Alport syndrome (ATS2). Also called: ALPORT SYNDROME 2, AUTOSOMAL RECESSIVE; COL4A3-Related Nephropathy; COL4A4 Alport Syndrome and Thin Basement Membrane Nephropathy; Alport syndrome type 2. Identifiers: Orphanet 63, Orphanet 88919, MedGen C4746745, MONDO:0008762, OMIM 203780.

Submissions (2):

Genetics Laboratory, Great Ormond Street Hospital NHS Foundation Trust, North Thames Genomic Laboratory Hub
Classification: Likely pathogenic for Haematuria. Last evaluated: 2026-01-27. Review status: criteria provided, single submitter. Criteria: ACGS Best Practice Guidelines for Variant Classification in Rare Disease 2024 v1.2. Collection method: clinical testing. Allele origin: germline. Affected: yes.
Comment: PS4_supporting, PM2_moderate, PP3_supporting, PM5_supporting, PM1_strong

MVZ Medizinische Genetik Mainz
Classification: Likely pathogenic for Autosomal recessive Alport syndrome. Last evaluated: 2024-04-24. Review status: criteria provided, single submitter. Criteria: UK Practice Guidelines For Variant Classification V4 01 2020. Collection method: clinical testing. Allele origin: germline. Inheritance: Autosomal dominant inheritance. Affected: yes. Observed: 1 variant allele.
Comment: ACMG Criteria: PM1_STR,PM5,PM2_SUP,PP3,PP4

NM_000092.5(COL4A4):c.1352G>T (p.Gly451Val)

Gene: COL4A4 (collagen type IV alpha 4 chain; minus strand). Cytogenetic location: 2q36.3.
Variant type: single nucleotide variant.
Coding change: c.1352G>T on transcript NM_000092.5 (MANE Select); coding-DNA position 1352, G replaced by T.
Protein change: p.Gly451Val; replaces glycine 451 with valine.
Molecular consequence: missense variant.
Genome position (GRCh38, 1-based): chr2:227,094,142, C>A on the plus strand (G>T on the coding strand, the complement: COL4A4 is on the minus strand). VCF-style: chr2-227094142-C-A. GRCh37 (hg19) VCF-style: chr2-227958858-C-A.
Other names: short protein forms G451V.
Identifiers: ClinVar variation 3256878 (VCV003256878.3).
Genomic context (GRCh38, chr2:227,094,142, plus strand): 5'-AAGCAGCATAAATGCTAATGGATATGAATAAGGAGTACTTTACCACTTGATCCTGGGAGG[C>A]CCTGCAGGCCTGGTGCTCCAGGCAAGCCAGGTGATCCTGGCTTCCCTGGTTTTCCTGGAG-3'
Protein context (NP_000083.3, residues 441-461): PGLPGAPGLQ[Gly451Val]LPGSSVIYCS